The following is an entry in ClinVar:

ClinVar aggregate classification (germline): Uncertain significance (1 of 4 stars; one submission).

Allele frequency attached by ClinVar (database versions not stated): gnomAD exomes below 0.00001.
gnomAD v4.1: 1 of 1,614,074 alleles (0.000062%); highest among the groups gnomAD compares: Admixed American, 0.0017%; no homozygotes.

Submission:

Labcorp Genetics (formerly Invitae), Labcorp
Classification: Uncertain significance. Last evaluated: 2022-06-05. Review status: criteria provided, single submitter. Criteria: Invitae Variant Classification Sherloc (09022015). Collection method: clinical testing. Allele origin: germline.
Comment: This sequence change replaces aspartic acid, which is acidic and polar, with asparagine, which is neutral and polar, at codon 114 of the CNNM4 protein (p.Asp114Asn). This variant is present in population databases (no rsID available, gnomAD 0.003%). In summary, the available evidence is currently insufficient to determine the role of this variant in disease. Therefore, it has been classified as a Variant of Uncertain Significance. Algorithms developed to predict the effect of missense changes on protein structure and function are either unavailable or do not agree on the potential impact of this missense change (SIFT: "Deleterious"; PolyPhen-2: "Possibly Damaging"; Align-GVGD: "Class C0"). ClinVar contains an entry for this variant (Variation ID: 1035790). This variant has not been reported in the literature in individuals affected with CNNM4-related conditions.

NM_020184.4(CNNM4):c.340G>A (p.Asp114Asn)

Gene: CNNM4 (cyclin and CBS domain divalent metal cation transport mediator 4; plus strand). Cytogenetic location: 2q11.2.
Variant type: single nucleotide variant.
Coding change: c.340G>A on transcript NM_020184.4 (MANE Select); coding-DNA position 340, G replaced by A.
Protein change: p.Asp114Asn; replaces aspartic acid 114 with asparagine.
Molecular consequence: missense variant.
Genome position (GRCh38, 1-based): chr2:96,761,339, G>A. VCF-style: chr2-96761339-G-A. GRCh37 (hg19) VCF-style: chr2-97427076-G-A.
Other names: short protein forms D114N.
Identifiers: ClinVar variation 1035790 (VCV001035790.4), dbSNP rs1388977149, ClinGen allele CA347713151.